The following is an entry in ClinVar:

ClinVar aggregate classification (germline): Pathogenic/Likely pathogenic. Review status: criteria provided, multiple submitters, no conflicts (2 of 4 stars). 2 submissions from 2 submitters: Pathogenic (1); Likely pathogenic (1). Last evaluated 2023-05-11.

Conditions:
Familial adenomatous polyposis 1 (FAP1). Also called: POLYPOSIS, ADENOMATOUS INTESTINAL; FAMILIAL ADENOMATOUS POLYPOSIS 1, ATTENUATED. Identifiers: MedGen C2713442, MONDO:0021056, OMIM 175100. Disease mechanism: loss of function.
Hereditary cancer-predisposing syndrome. Also called: Tumor predisposition; Hereditary Cancer Syndrome; Neoplastic Syndromes, Hereditary; Hereditary neoplastic syndrome. Identifiers: Orphanet 140162, MedGen C0027672, MeSH D009386, MONDO:0015356.

Submissions (2):

Myriad Genetics, Inc.
Classification: Pathogenic for Familial adenomatous polyposis 1. Last evaluated: 2023-05-11. Review status: criteria provided, single submitter. Criteria: Myriad Autosomal Dominant, Autosomal Recessive and X-Linked Classification Criteria (2023). Collection method: clinical testing. Allele origin: unknown.
Comment: This variant is considered pathogenic. This variant creates a frameshift predicted to result in premature protein truncation.

Color Diagnostics, LLC DBA Color Health
Classification: Likely pathogenic for Hereditary cancer-predisposing syndrome. Last evaluated: 2022-01-01. Review status: criteria provided, single submitter. Criteria: ACMG Guidelines, 2015. Collection method: clinical testing. Allele origin: germline.
Comment: This variant deletes 2 nucleotides in exon 16 of the APC gene, creating a frameshift and premature translation stop signal in the last coding exon. This mutant transcript is predicted to escape nonsense-mediated decay and be expressed as a truncated protein. Although functional studies have not been reported, this variant is expected to disrupt multiple protein domains (PMID: 9554852, 11035805, 11257105). In addition, truncating variants occurring downstream of this variant are known to be disease-causing (ClinVar: APC). To our knowledge, this variant has not been reported in individuals affected with hereditary cancer in the literature. This variant has not been identified in the general population by the Genome Aggregation Database (gnomAD). Loss of APC function is a known mechanism of disease. Based on the available evidence, this variant is classified as Likely Pathogenic.

Literature cited by the submitters: PubMed 9554852 (cited by Color Diagnostics, LLC DBA Color Health); PubMed 11035805 (cited by Color Diagnostics, LLC DBA Color Health); PubMed 11257105 (cited by Color Diagnostics, LLC DBA Color Health).

NM_000038.6(APC):c.4525_4526del (p.Leu1509fs)

Gene: APC (APC regulator of Wnt signaling pathway; plus strand). Cytogenetic location: 5q22.2.
Variant type: Microsatellite.
Coding change: c.4525_4526del on transcript NM_000038.6 (MANE Select); coding-DNA positions 4525 to 4526, 2 bases deleted (CT; older notation c.4525_4526delCT).
Protein change: p.Leu1509fs; shifts the reading frame from leucine 1509.
Molecular consequence: frameshift variant.
Genome position (GRCh38, 1-based): chr5:112,840,119-112,840,120, CT deleted; deleting any 2 consecutive bases within chr5:112,840,117-112,840,120 gives the same sequence; the c. name uses the placement nearest the transcript's 3' end. VCF-style (leftmost placement, unchanged base first): chr5-112840116-GCT-G. GRCh37 (hg19) VCF-style: chr5-112175813-GCT-G.
Other names: c.4525_4526del, p.Leu1509fs (NM_001127510.3, NM_001354895.2); c.4471_4472del, p.Leu1491fs (NM_001127511.3); c.4579_4580del, p.Leu1527fs (NM_001354896.2); c.4555_4556del, p.Leu1519fs (NM_001354897.2); c.4450_4451del, p.Leu1484fs (NM_001354898.2); c.4441_4442del, p.Leu1481fs (NM_001354899.2); c.4402_4403del, p.Leu1468fs (NM_001354900.2); c.4348_4349del, p.Leu1450fs (NM_001354901.2); and 5 more; short protein forms L1226fs, L1349fs, L1383fs, L1408fs, L1418fs, L1450fs, L1468fs, L1481fs.
Identifiers: ClinVar variation 1332134 (VCV001332134.6), dbSNP rs2149916736, ClinGen allele CA2580613635.